The following is an entry in ClinVar:

NM_001382391.1(CSPP1):c.449G>T (p.Ser150Ile)

Gene: CSPP1 (centrosome and spindle pole associated protein 1; plus strand). Cytogenetic location: 8q13.1.
Variant type: single nucleotide variant.
Coding change: c.449G>T on transcript NM_001382391.1 (MANE Select); coding-DNA position 449, G replaced by T.
Protein change: p.Ser150Ile; replaces serine 150 with isoleucine.
Molecular consequence: missense variant. On other transcripts: 5 prime UTR variant (1).
Genome position (GRCh38, 1-based): chr8:67,093,607, G>T. VCF-style: chr8-67093607-G-T. GRCh37 (hg19) VCF-style: chr8-68005842-G-T.
Other names: c.-407G>T (NM_001291339.2); c.368G>T, p.Ser123Ile (NM_001363131.2, NM_001363133.2); c.449G>T, p.Ser150Ile (NM_001363132.2); c.557G>T, p.Ser186Ile (NM_001364869.1); c.476G>T, p.Ser159Ile (NM_001364870.1, NM_024790.7); short protein forms S123I, S159I, S186I, S150I.
Identifiers: ClinVar variation 2402741 (VCV002402741.4), dbSNP rs368448780, ClinGen allele CA4770290.

ClinVar aggregate classification (germline): Uncertain significance. Review status: criteria provided, multiple submitters, no conflicts (2 of 4 stars). 2 submissions from 2 submitters: Uncertain significance (2). Last evaluated 2024-10-15.

Conditions:
Inborn genetic diseases. Identifiers: MedGen C0950123, MeSH D030342.
Joubert syndrome 21 (JBTS21). Identifiers: MedGen C3810212, MONDO:0014288, OMIM 615636.

Allele frequency attached by ClinVar (database versions not stated): gnomAD 0.00001; TOPMed 0.00001; ExAC 0.00002; ESP Exome Variant Server 0.00008.
gnomAD v4.1: 14 of 1,612,398 alleles (0.00087%); highest among the groups gnomAD compares: Non-Finnish European, 0.0012%; no homozygotes.

Submissions (2):

Labcorp Genetics (formerly Invitae), Labcorp
Classification: Uncertain significance for Joubert syndrome 21. Last evaluated: 2024-10-15. Review status: criteria provided, single submitter. Criteria: Invitae Variant Classification Sherloc (09022015). Collection method: clinical testing. Allele origin: germline.
Comment: This sequence change replaces serine, which is neutral and polar, with isoleucine, which is neutral and non-polar, at codon 159 of the CSPP1 protein (p.Ser159Ile). This variant is present in population databases (rs368448780, gnomAD 0.004%). This variant has not been reported in the literature in individuals affected with CSPP1-related conditions. ClinVar contains an entry for this variant (Variation ID: 2402741). An algorithm developed to predict the effect of missense changes on protein structure and function outputs the following: PolyPhen-2: "Benign". The isoleucine amino acid residue is found in multiple mammalian species, which suggests that this missense change does not adversely affect protein function. In summary, the available evidence is currently insufficient to determine the role of this variant in disease. Therefore, it has been classified as a Variant of Uncertain Significance.

Ambry Genetics
Classification: Uncertain significance for Inborn genetic diseases. Last evaluated: 2022-12-13. Review status: criteria provided, single submitter. Criteria: Ambry Variant Classification Scheme 2023. Collection method: clinical testing. Allele origin: germline.